The following is an entry in ClinVar:

ClinVar aggregate classification (germline): Benign/Likely benign. Review status: criteria provided, multiple submitters, no conflicts (2 of 4 stars). 2 submissions from 2 submitters: Benign (1); Likely benign (1). Last evaluated 2025-01-14.

Conditions:
Familial cancer of breast. Also called: hereditary breast carcinoma; Hereditary breast cancer; BREAST CANCER, FAMILIAL. Identifiers: Orphanet 227535, MedGen C0346153, MONDO:0016419, OMIM 114480. Disease mechanism: loss of function.

Submissions (2):

Myriad Genetics, Inc.
Classification: Benign for Familial cancer of breast. Last evaluated: 2025-01-14. Review status: criteria provided, single submitter. Criteria: Myriad Autosomal Dominant, Autosomal Recessive and X-Linked Classification Criteria (2023). Collection method: clinical testing. Allele origin: unknown.
Comment: This variant is considered benign. This variant is a silent/synonymous amino acid change and it is not expected to impact splicing.

Labcorp Genetics (formerly Invitae), Labcorp
Classification: Likely benign for Familial cancer of breast. Last evaluated: 2020-04-27. Review status: criteria provided, single submitter. Criteria: Invitae Variant Classification Sherloc (09022015). Collection method: clinical testing. Allele origin: germline.

NM_024675.4(PALB2):c.1737T>G (p.Ala579=)

Gene: PALB2 (partner and localizer of BRCA2; minus strand). Cytogenetic location: 16p12.2.
Variant type: single nucleotide variant.
Coding change: c.1737T>G on transcript NM_024675.4 (MANE Select); coding-DNA position 1737, T replaced by G.
Protein change: p.Ala579=; no amino-acid change (alanine 579 retained).
Molecular consequence: synonymous variant.
Genome position (GRCh38, 1-based): chr16:23,630,417, A>C on the plus strand (T>G on the coding strand, the complement: PALB2 is on the minus strand). VCF-style: chr16-23630417-A-C. GRCh37 (hg19) VCF-style: chr16-23641738-A-C.
Identifiers: ClinVar variation 1091924 (VCV001091924.11), dbSNP rs1597091336, ClinGen allele CA494461405.